The following is an entry in ClinVar:

NM_001244710.2(GFPT1):c.*4403G>T

Gene: GFPT1 (glutamine--fructose-6-phosphate transaminase 1; minus strand). Cytogenetic location: 2p13.3.
Variant type: single nucleotide variant.
Coding change: c.*4403G>T on transcript NM_001244710.2 (MANE Select); 4403 bases downstream of the stop codon, G replaced by T.
Molecular consequence: 3 prime UTR variant.
Genome position (GRCh38, 1-based): chr2:69,321,786, C>A on the plus strand (G>T on the coding strand, the complement: GFPT1 is on the minus strand). VCF-style: chr2-69321786-C-A. GRCh37 (hg19) VCF-style: chr2-69548918-C-A.
Other names: c.*4403G>T (NM_002056.4).
Identifiers: ClinVar variation 894844 (VCV000894844.4), dbSNP rs148687340, ClinGen allele CA49441509.
Genomic context (GRCh38, chr2:69,321,786, plus strand): 5'-ACATTCAACCACAGAACATTCAGAAAGCTAACAGGATCATTTCTACATTCATTCTGCAAA[C>A]AGTGTAGTAAGAAAGGTAATTTGAGAATTTCCAAAGATGTTCTCGCTAGCCATTATTTAT-3'

ClinVar aggregate classification (germline): Benign (1 of 4 stars; one submission).

Conditions:
Congenital myasthenic syndrome 12 (CMS12). Also called: Myasthenia, congenital, 12, with tubular aggregates; MYASTHENIC SYNDROME, CONGENITAL, WITH TUBULAR AGGREGATES 1. Identifiers: Orphanet 353327, Orphanet 590, MedGen C3552335, MONDO:0012518, OMIM 610542.

Allele frequency attached by ClinVar (database versions not stated): gnomAD 0.00612 and 0.00642; TOPMed 0.00704; 1000 Genomes Project 30x 0.00796; 1000 Genomes Project 0.00819.

Submission:

Illumina Laboratory Services, Illumina
Classification: Benign for Congenital myasthenic syndrome 12. Last evaluated: 2018-01-13. Review status: criteria provided, single submitter. Criteria: ICSL Variant Classification Criteria 13 December 2019. Collection method: clinical testing. Allele origin: germline.
Comment: This variant was observed in the ICSL laboratory as part of a predisposition screen in an ostensibly healthy population. It had not been previously curated by ICSL or reported in the Human Gene Mutation Database (HGMD: prior to June 1st, 2018), and was therefore a candidate for classification through an automated scoring system. Utilizing variant allele frequency, disease prevalence and penetrance estimates, and inheritance mode, an automated score was calculated to assess if this variant is too frequent to cause the disease. Based on the score and internal cut-off values, a variant classified as benign is not then subjected to further curation. The score for this variant resulted in a classification of benign for this disease.